The following is an entry in ClinVar:

NM_001194.4(HCN2):c.1281C>T (p.Cys427=)

Gene: HCN2 (hyperpolarization activated cyclic nucleotide gated potassium and sodium channel 2; plus strand). Cytogenetic location: 19p13.3.
Variant type: single nucleotide variant.
Coding change: c.1281C>T on transcript NM_001194.4 (MANE Select); coding-DNA position 1281, C replaced by T.
Protein change: p.Cys427=; no amino-acid change (cysteine 427 retained).
Molecular consequence: synonymous variant.
Genome position (GRCh38, 1-based): chr19:608,026, C>T. VCF-style: chr19-608026-C-T. GRCh37 (hg19) VCF-style: chr19-608026-C-T.
Identifiers: ClinVar variation 3047592 (VCV003047592.3), dbSNP rs371009589, ClinGen allele CA9018408.

ClinVar aggregate classification (germline): Likely benign. Review status: criteria provided, single submitter (1 of 4 stars). 2 submissions from 2 submitters: Likely benign (1). 1 of the submissions does not count toward it. Last evaluated 2023-10-05.

Conditions:
HCN2-related disorder. Also called: HCN2-related condition.

Allele frequency attached by ClinVar (database versions not stated): gnomAD exomes 0.00004; TOPMed 0.00010; gnomAD 0.00005; ExAC 0.00011; ESP Exome Variant Server 0.00015.
gnomAD v4.1: 78 of 1,613,052 alleles (0.0048%); highest among the groups gnomAD compares: Middle Eastern, 0.068%; no homozygotes.

Submissions (2):

Blueprint Genetics
Classification: Likely benign. Last evaluated: 2023-10-05. Review status: criteria provided, single submitter. Criteria: ACMG Guidelines, 2015. Collection method: clinical testing. Allele origin: germline.

PreventionGenetics, part of Exact Sciences
Classification: Likely benign for HCN2-related condition. Last evaluated: 2019-03-15. Review status: no assertion criteria provided. Collection method: clinical testing. Allele origin: germline. Not counted in ClinVar's aggregate classification.
Comment: This variant is classified as likely benign based on ACMG/AMP sequence variant interpretation guidelines (Richards et al. 2015 PMID: 25741868, with internal and published modifications).